The following is an entry in ClinVar:

ClinVar aggregate classification (germline): Uncertain significance. Review status: criteria provided, multiple submitters, no conflicts (2 of 4 stars). 3 submissions from 3 submitters: Uncertain significance (3). Last evaluated 2025-04-23.

Conditions:
Cardiovascular phenotype. Identifiers: MedGen CN230736.
Hypertrophic cardiomyopathy. Also called: HYPERTROPHIC MYOCARDIOPATHY. Identifiers: Orphanet 217569, MedGen C0007194, MeSH D002312, MONDO:0005045, HP:0001639.

Submissions (3):

Labcorp Genetics (formerly Invitae), Labcorp
Classification: Uncertain significance for Hypertrophic cardiomyopathy. Last evaluated: 2025-04-23. Review status: criteria provided, single submitter. Criteria: Invitae Variant Classification Sherloc (09022015). Collection method: clinical testing. Allele origin: germline.
Comment: This variant, c.521_523del, results in the deletion of 1 amino acid(s) of the MYBPC3 protein (p.Phe174del), but otherwise preserves the integrity of the reading frame. This variant is not present in population databases (gnomAD no frequency). This variant has not been reported in the literature in individuals affected with MYBPC3-related conditions. ClinVar contains an entry for this variant (Variation ID: 181158). Experimental studies and prediction algorithms are not available or were not evaluated, and the functional significance of this variant is currently unknown. In summary, the available evidence is currently insufficient to determine the role of this variant in disease. Therefore, it has been classified as a Variant of Uncertain Significance.

Ambry Genetics
Classification: Uncertain significance for Cardiovascular phenotype. Last evaluated: 2024-11-25. Review status: criteria provided, single submitter. Criteria: Ambry Variant Classification Scheme 2023. Collection method: clinical testing. Allele origin: germline.
Comment: The c.521_523delTCT variant (also known as p.F174del) is located in coding exon 5 of the MYBPC3 gene. This variant results from an in-frame TCT deletion at nucleotide positions 521 to 523. This results in the in-frame deletion of a phenylalanine at codon 174. This amino acid position is highly conserved in available vertebrate species. In addition, this alteration is predicted to be deleterious by in silico analysis (Choi Y et al. PLoS ONE. 2012; 7(10):e46688). Based on the available evidence, the clinical significance of this variant remains unclear.

GeneDx
Classification: Uncertain significance. Last evaluated: 2014-10-24. Review status: criteria provided, single submitter. Criteria: GeneDx Variant Classification (06012015). Collection method: clinical testing. Allele origin: germline. Affected: yes.
Comment: The c.521_523delTCT variant in the MYBPC3 gene has not been reported as a disease-causing mutation or as a benign polymorphism to our knowledge. This variant results in an in-frame deletion of a Phenylalanine residue at codon 174, denoted p.Phe174del. Only a few in-frame deletions in the MYBPC3 gene have been reported in association with cardiomyopathy, indicating perhaps this region of the protein may be tolerant of change. Therefore, based on the currently available information, it is unclear whether this variant is a pathogenic mutation or a rare benign variant.

NM_000256.3(MYBPC3):c.521_523del (p.Phe174del)

Gene: MYBPC3 (myosin binding protein C3; minus strand). Cytogenetic location: 11p11.2.
Variant type: Deletion.
Coding change: c.521_523del on transcript NM_000256.3 (MANE Select); coding-DNA positions 521 to 523, 3 bases deleted (TCT; older notation c.521_523delTCT).
Protein change: p.Phe174del; deletes phenylalanine 174.
Molecular consequence: inframe deletion.
Genome position (GRCh38, 1-based): chr11:47,349,905-47,349,907, AGA deleted on the plus strand (TCT on the coding strand, the reverse complement: MYBPC3 is on the minus strand); deleting any 3 consecutive bases within chr11:47,349,905-47,349,909 gives the same sequence; the c. name uses the placement nearest the transcript's 3' end. VCF-style (leftmost placement, unchanged base first): chr11-47349904-GAGA-G. GRCh37 (hg19) VCF-style: chr11-47371455-GAGA-G.
Other names: c.521_523del, p.Phe174del (LRG_386t1); c.521_523delTCT (NM_000256.3); short protein forms F174del.
Identifiers: ClinVar variation 181158 (VCV000181158.6), dbSNP rs730880722, ClinGen allele CA015391.